The following is an entry in ClinVar:

ClinVar aggregate classification (germline): Conflicting classifications of pathogenicity. Review status: criteria provided, conflicting classifications (1 of 4 stars). 2 submissions from 2 submitters: Likely pathogenic (1); Uncertain significance (1). Last evaluated 2026-09-28.

Conditions:
Muscle AMP deaminase deficiency (MMDD). Also called: ADENOSINE MONOPHOSPHATE DEAMINASE-1 DEFICIENCY, MYOPATHY DUE TO; AMPD1 DEFICIENCY; Myoadenylate deaminase deficiency, myopathy due to; Adenosine monophosphate deaminase 1 deficiency; AMP deaminase 1 deficiency; Adenosine Monophosphate Deaminase 1. Identifiers: Orphanet 45, MedGen C3714933, MONDO:0014220, OMIM 615511.

Allele frequency attached by ClinVar (database versions not stated): TOPMed below 0.00001; gnomAD exomes 0.00001.
gnomAD v4.1: 8 of 1,610,144 alleles (0.0005%); highest among the groups gnomAD compares: Non-Finnish European, 0.00068%; no homozygotes.

Submissions (2):

GeneDx
Classification: Likely pathogenic. Last evaluated: 2026-09-28. Review status: criteria provided, single submitter. Criteria: GeneDx Variant Classification Process June 2021. Collection method: clinical testing. Allele origin: germline.
Comment: Nonsense variant predicted to result in protein truncation or nonsense mediated decay in a gene for which loss of function is a known mechanism of disease; Not observed at significant frequency in large population cohorts (gnomAD); Has not been previously published as pathogenic or benign to our knowledge

Labcorp Genetics (formerly Invitae), Labcorp
Classification: Uncertain significance for Muscle AMP deaminase deficiency. Last evaluated: 2022-06-02. Review status: criteria provided, single submitter. Criteria: Invitae Variant Classification Sherloc (09022015). Collection method: clinical testing. Allele origin: germline.
Comment: In summary, the available evidence is currently insufficient to determine the role of this variant in disease. Therefore, it has been classified as a Variant of Uncertain Significance. ClinVar contains an entry for this variant (Variation ID: 451200). This sequence change creates a premature translational stop signal (p.Trp488*) in the AMPD1 gene. It is expected to result in an absent or disrupted protein product. However, the current clinical and genetic evidence is not sufficient to establish whether loss-of-function variants in AMPD1 cause disease. This variant is not present in population databases (gnomAD no frequency). This variant has not been reported in the literature in individuals affected with AMPD1-related conditions.

NM_000036.3(AMPD1):c.1365G>A (p.Trp455Ter)

Gene: AMPD1 (adenosine monophosphate deaminase 1; minus strand). Cytogenetic location: 1p13.2.
Variant type: single nucleotide variant.
Coding change: c.1365G>A on transcript NM_000036.3 (MANE Select); coding-DNA position 1365, G replaced by A.
Protein change: p.Trp455Ter; replaces tryptophan 455 with a stop codon.
Molecular consequence: nonsense.
Genome position (GRCh38, 1-based): chr1:114,677,374, C>T on the plus strand (G>A on the coding strand, the complement: AMPD1 is on the minus strand). VCF-style: chr1-114677374-C-T. GRCh37 (hg19) VCF-style: chr1-115219995-C-T.
Other names: c.1353G>A, p.Trp451Ter (NM_001172626.2); short protein forms W488*, W451*, W455*.
Identifiers: ClinVar variation 451200 (VCV000451200.7), dbSNP rs1447749222, ClinGen allele CA341748353.